The following is an entry in ClinVar:

NM_001009999.3(KDM1A):c.2627T>C (p.Met876Thr)

Gene: KDM1A (lysine demethylase 1A; plus strand). Cytogenetic location: 1p36.12.
Variant type: single nucleotide variant.
Coding change: c.2627T>C on transcript NM_001009999.3 (MANE Select); coding-DNA position 2627, T replaced by C.
Protein change: p.Met876Thr; replaces methionine 876 with threonine.
Molecular consequence: missense variant. On other transcripts: 3 prime UTR variant (1).
Genome position (GRCh38, 1-based): chr1:23,083,360, T>C. VCF-style: chr1-23083360-T-C. GRCh37 (hg19) VCF-style: chr1-23409853-T-C.
Other names: c.2573T>C, p.Met858Thr (NM_001363654.2); c.2633T>C, p.Met878Thr (NM_001410762.1); c.*875T>C (NM_001410763.1); c.2555T>C, p.Met852Thr (NM_015013.4); c.2627T>C (NM_001009999.2); short protein forms M852T, M876T, M878T, M858T.
Identifiers: ClinVar variation 2874685 (VCV002874685.6), dbSNP rs2522828514, ClinGen allele CA338973080.

ClinVar aggregate classification (germline): Uncertain significance. Review status: criteria provided, multiple submitters, no conflicts (2 of 4 stars). 3 submissions from 3 submitters: Uncertain significance (3). Last evaluated 2025-12-13.

Conditions:
Inborn genetic diseases. Identifiers: MedGen C0950123, MeSH D030342.

Submissions (3):

Ambry Genetics
Classification: Uncertain significance for Inborn genetic diseases. Last evaluated: 2025-12-13. Review status: criteria provided, single submitter. Criteria: Ambry Variant Classification Scheme 2023. Collection method: clinical testing. Allele origin: germline.
Comment: The p.M876T variant (also known as c.2627T>C), located in coding exon 21 of the KDM1A gene, results from a T to C substitution at nucleotide position 2627. The methionine at codon 876 is replaced by threonine, an amino acid with similar properties. This amino acid position is conserved. In addition, this alteration is predicted to be tolerated by in silico analysis. Based on the available evidence, the clinical significance of this variant remains unclear.

Dasa
Classification: Uncertain significance. Last evaluated: 2024-12-02. Review status: criteria provided, single submitter. Criteria: DASA Assertion Criteria. Collection method: clinical testing. Allele origin: germline.
Comment: NM_001009999.3(KDM1A):c.2627T>C (p.Met876Thr) is a missense variant that results in the substitution of methionine with threonine. This variant is absent from population databases. Computational prediction algorithms are consistent with a benign effect. The currently available literature and clinical evidence are not sufficient to establish a definitive association between this variant and the reported condition. Therefore, this variant is classified as a variant of uncertain significance.

Labcorp Genetics (formerly Invitae), Labcorp
Classification: Uncertain significance. Last evaluated: 2023-12-20. Review status: criteria provided, single submitter. Criteria: Invitae Variant Classification Sherloc (09022015). Collection method: clinical testing. Allele origin: germline.
Comment: This sequence change replaces methionine, which is neutral and non-polar, with threonine, which is neutral and polar, at codon 876 of the KDM1A protein (p.Met876Thr). This variant is not present in population databases (gnomAD no frequency). This variant has not been reported in the literature in individuals affected with KDM1A-related conditions. An algorithm developed to predict the effect of missense changes on protein structure and function (PolyPhen-2) suggests that this variant is likely to be tolerated. In summary, the available evidence is currently insufficient to determine the role of this variant in disease. Therefore, it has been classified as a Variant of Uncertain Significance.